The following is an entry in ClinVar:

ClinVar aggregate classification (germline): Uncertain significance. Review status: criteria provided, multiple submitters, no conflicts (2 of 4 stars). 2 submissions from 2 submitters: Uncertain significance (2). Last evaluated 2026-02-05.

Conditions:
Hereditary breast ovarian cancer syndrome. Also called: Breast and ovarian cancer; Hereditary breast and/or ovarian cancer syndrome; BRCA1- and BRCA2-Associated Hereditary Breast and Ovarian Cancer; Hereditary breast and ovarian cancer; Hereditary breast and ovarian cancer syndrome (HBOC); Hereditary breast and ovarian cancer syndrome. Identifiers: Orphanet 145, MedGen C0677776, MeSH D061325, MONDO:0003582. Disease mechanism: loss of function.
Hereditary cancer-predisposing syndrome. Also called: Tumor predisposition; Hereditary Cancer Syndrome; Hereditary neoplastic syndrome; Neoplastic Syndromes, Hereditary. Identifiers: Orphanet 140162, MedGen C0027672, MeSH D009386, MONDO:0015356.

Submissions (2):

Ambry Genetics
Classification: Uncertain significance for Hereditary cancer-predisposing syndrome. Last evaluated: 2026-02-05. Review status: criteria provided, single submitter. Criteria: Ambry Variant Classification Scheme 2023. Collection method: clinical testing. Allele origin: germline.
Comment: The c.8953+2dupT intronic variant, results from a duplication of T two nucleotides after position 8953 in intron 21 of the BRCA2 gene. This nucleotide position is highly conserved in available vertebrate species. In silico splice site analysis predicts that this alteration may weaken the native splice donor site and may result in the creation or strengthening of a novel splice donor site. RNA studies have demonstrated that this variant results in a splice defect; the clinical impact of this abnormal splicing is unknown at this time (Ambry internal data). Based on the available evidence, the clinical significance of this alteration remains unclear.

Labcorp Genetics (formerly Invitae), Labcorp
Classification: Uncertain significance for Hereditary breast ovarian cancer syndrome. Last evaluated: 2025-01-23. Review status: criteria provided, single submitter. Criteria: Invitae Variant Classification Sherloc (09022015). Collection method: clinical testing. Allele origin: germline.
Comment: This sequence change falls in intron 22 of the BRCA2 gene. It does not directly change the encoded amino acid sequence of the BRCA2 protein. RNA analysis indicates that this variant induces altered splicing and may result in an absent or altered protein product. This variant is not present in population databases (gnomAD no frequency). This variant has not been reported in the literature in individuals affected with BRCA2-related conditions. ClinVar contains an entry for this variant (Variation ID: 3229490). Variants that disrupt the consensus splice site are a relatively common cause of aberrant splicing (PMID: 17576681, 9536098). Studies have shown that this variant results in skipping of exon 22, and produces a non-functional protein and/or introduces a premature termination codon (internal data). In summary, the available evidence is currently insufficient to determine the role of this variant in disease. Therefore, it has been classified as a Variant of Uncertain Significance.

Literature cited by the submitters: PubMed 17576681 (cited by Labcorp Genetics (formerly Invitae), Labcorp); PubMed 9536098 (cited by Labcorp Genetics (formerly Invitae), Labcorp).

NM_000059.4(BRCA2):c.8953+2dup

Gene: BRCA2 (BRCA2 DNA repair associated; plus strand). Cytogenetic location: 13q13.1.
Variant type: Duplication.
Coding change: c.8953+2dup on transcript NM_000059.4 (MANE Select); the canonical splice donor site of the intron after coding-DNA position 8953, one base duplicated (T; older notation c.8953+2dupT).
Molecular consequence: splice donor variant.
Genome position (GRCh38, 1-based): chr13:32,379,517, T duplicated. VCF-style (leftmost placement, unchanged base first): chr13-32379516-G-GT. GRCh37 (hg19) VCF-style: chr13-32953653-G-GT.
Other names: c.8953+2dup (NM_001406720.1); c.8857+2dup (NM_001406719.1); c.4021+2dup (NM_001406721.1); c.2536+2dup (NM_001406722.1).
Identifiers: ClinVar variation 3229490 (VCV003229490.4), dbSNP rs2548555350, ClinGen allele CA2825002164.
Genomic context (GRCh38, chr13:32,379,516, plus strand): 5'-ATGTCACAACCGTGTGGAAGTTGCGTATTGTAAGCTATTCAAAAAAAGAAAAAGATTCAG[G>GT]TAAGTATGTAAATGCTTTGTTTTTATCAGTTTTATTAACTTAAAAAATGACCTTACTAAC-3'